The following is an entry in ClinVar:

NM_015629.4(PRPF31):c.871G>C (p.Ala291Pro)

Gene: PRPF31 (pre-mRNA processing factor 31; plus strand). Cytogenetic location: 19q13.42.
Variant type: single nucleotide variant.
Coding change: c.871G>C on transcript NM_015629.4 (MANE Select); coding-DNA position 871, G replaced by C.
Protein change: p.Ala291Pro; replaces alanine 291 with proline.
Molecular consequence: missense variant.
Genome position (GRCh38, 1-based): chr19:54,126,543, G>C. VCF-style: chr19-54126543-G-C. GRCh37 (hg19) VCF-style: chr19-54629918-G-C.
Other names: short protein forms A291P.
Identifiers: ClinVar variation 2138319 (VCV002138319.4), dbSNP rs2516176968, ClinGen allele CA407751806.

ClinVar aggregate classification (germline): Uncertain significance (1 of 4 stars; one submission).

Submission:

Labcorp Genetics (formerly Invitae), Labcorp
Classification: Uncertain significance. Last evaluated: 2022-09-13. Review status: criteria provided, single submitter. Criteria: Invitae Variant Classification Sherloc (09022015). Collection method: clinical testing. Allele origin: germline.
Comment: This sequence change replaces alanine, which is neutral and non-polar, with proline, which is neutral and non-polar, at codon 291 of the PRPF31 protein (p.Ala291Pro). In summary, the available evidence is currently insufficient to determine the role of this variant in disease. Therefore, it has been classified as a Variant of Uncertain Significance. Algorithms developed to predict the effect of missense changes on protein structure and function are either unavailable or do not agree on the potential impact of this missense change (SIFT: "Tolerated"; PolyPhen-2: "Probably Damaging"; Align-GVGD: "Class C0"). This missense change has been observed in individuals with retinitis pigmentosa (PMID: 16799052, 28559085). This variant is not present in population databases (gnomAD no frequency).

Literature cited by the submitters: PubMed 16799052; PubMed 28559085.